The following is an entry in ClinVar:

NM_002529.4(NTRK1):c.1717G>A (p.Val573Met)

Gene: NTRK1 (neurotrophic receptor tyrosine kinase 1; plus strand). Cytogenetic location: 1q23.1.
Variant type: single nucleotide variant.
Coding change: c.1717G>A on transcript NM_002529.4 (MANE Select); coding-DNA position 1717, G replaced by A.
Protein change: p.Val573Met; replaces valine 573 with methionine.
Molecular consequence: missense variant.
Genome position (GRCh38, 1-based): chr1:156,876,484, G>A. VCF-style: chr1-156876484-G-A. GRCh37 (hg19) VCF-style: chr1-156846276-G-A.
Other names: p.Val567Met; c.1609G>A, p.Val537Met (NM_001007792.1); c.1699G>A, p.Val567Met (NM_001012331.2); short protein forms V537M, V567M, V573M.
Identifiers: ClinVar variation 873802 (VCV000873802.8), dbSNP rs755016431, ClinGen allele CA1169444.

ClinVar aggregate classification (germline): Uncertain significance. Review status: criteria provided, multiple submitters, no conflicts (2 of 4 stars). 5 submissions from 5 submitters: Uncertain significance (5). Last evaluated 2024-09-20.

Conditions:
Hereditary insensitivity to pain with anhidrosis (CIPA). Also called: hereditary sensory and autonomic neuropathy type 4; NEUROPATHY, CONGENITAL SENSORY, WITH ANHIDROSIS; HSAN Type IV; INSENSITIVITY TO PAIN, CONGENITAL, WITH ANHIDROSIS; NTRK1 Congenital Insensitivity to Pain with Anhidrosis; FAMILIAL DYSAUTONOMIA, TYPE II. Identifiers: Orphanet 642, MedGen C0020074, MONDO:0009746, OMIM 256800.

Allele frequency attached by ClinVar (database versions not stated): gnomAD 0.00001; gnomAD exomes 0.00001; TOPMed 0.00002; ExAC 0.00003.
gnomAD v4.1: 53 of 1,613,726 alleles (0.0033%); highest among the groups gnomAD compares: Non-Finnish European, 0.0045%; no homozygotes.

Submissions (5):

Mayo Clinic Laboratories, Mayo Clinic
Classification: Uncertain significance. Last evaluated: 2024-09-20. Review status: criteria provided, single submitter. Criteria: ACMG Guidelines, 2015. Collection method: clinical testing. Allele origin: germline. Observed: 1 variant allele.
Comment: PP3, PM2

Genome-Nilou Lab
Classification: Uncertain significance for Hereditary insensitivity to pain with anhidrosis. Last evaluated: 2023-04-11. Review status: criteria provided, single submitter. Criteria: ACMG Guidelines, 2015. Collection method: clinical testing. Allele origin: germline. Affected: no.

Labcorp Genetics (formerly Invitae), Labcorp
Classification: Uncertain significance for Hereditary insensitivity to pain with anhidrosis. Last evaluated: 2021-12-23. Review status: criteria provided, single submitter. Criteria: Invitae Variant Classification Sherloc (09022015). Collection method: clinical testing. Allele origin: germline.
Comment: This sequence change replaces valine, which is neutral and non-polar, with methionine, which is neutral and non-polar, at codon 567 of the NTRK1 protein (p.Val567Met). This variant is present in population databases (rs755016431, gnomAD 0.0009%). This variant has not been reported in the literature in individuals affected with NTRK1-related conditions. ClinVar contains an entry for this variant (Variation ID: 873802). Advanced modeling of protein sequence and biophysical properties (such as structural, functional, and spatial information, amino acid conservation, physicochemical variation, residue mobility, and thermodynamic stability) performed at Invitae indicates that this missense variant is expected to disrupt NTRK1 protein function. In summary, the available evidence is currently insufficient to determine the role of this variant in disease. Therefore, it has been classified as a Variant of Uncertain Significance.

GeneDx
Classification: Uncertain significance. Last evaluated: 2019-03-01. Review status: criteria provided, single submitter. Criteria: GeneDx Variant Classification Process June 2021. Collection method: clinical testing. Allele origin: germline. Affected: yes.
Comment: Not observed at a significant frequency in large population cohorts (Lek et al., 2016; McVean et al., 2012; Exome Variant Server); In silico analysis, which includes protein predictors and evolutionary conservation, supports a deleterious effect; Has not been previously published as pathogenic or benign to our knowledge

Illumina Laboratory Services, Illumina
Classification: Uncertain significance for Hereditary insensitivity to pain with anhidrosis. Last evaluated: 2018-01-13. Review status: criteria provided, single submitter. Criteria: ICSL Variant Classification Criteria 13 December 2019. Collection method: clinical testing. Allele origin: germline.